The following is an entry in ClinVar:

NM_001165963.4(SCN1A):c.4002+2635T>C

Genes: SCN1A (sodium voltage-gated channel alpha subunit 1; minus strand), LOC102724058 (uncharacterized LOC102724058; plus strand). Cytogenetic location: 2q24.3.
Variant type: single nucleotide variant.
Coding change: c.4002+2635T>C on transcript NM_001165963.4 (MANE Select); 2635 bases into the intron after coding-DNA position 4002, T replaced by C.
Molecular consequence: intron variant.
Genome position (GRCh38, 1-based): chr2:166,007,084, A>G on the plus strand (T>C on the coding strand, the complement: SCN1A is on the minus strand). VCF-style: chr2-166007084-A-G. GRCh37 (hg19) VCF-style: chr2-166863594-A-G.
Other names: c.3969+2635T>C (NM_001353949.2, NM_001353950.2, NM_001353951.2 and 2 more transcripts); c.3918+2635T>C (NM_001353958.2, NM_001353957.2, NM_001165964.3); c.4002+2635T>C (NM_001202435.3, NM_001353948.2); c.3966+2635T>C (NM_001353955.2, NM_001353954.2); c.3915+2635T>C (NM_001353960.2); c.1560+2635T>C (NM_001353961.2).
Identifiers: ClinVar variation 1955003 (VCV001955003.5), dbSNP rs1691767126, ClinGen allele CA1304846206.
Genomic context (GRCh38, chr2:166,007,084, plus strand): 5'-GTTAAAATCCACAGAGGGTAAATTCATAAAGGTTTTTTTTTTTTTCAAATGAAATTTAAG[A>G]CAATTGAAAAGAGGGGATTAGGATGTAAATAATGTATTTTCCCTACTGTGGTGCAATAAT-3'

ClinVar aggregate classification (germline): Uncertain significance (1 of 4 stars; one submission).

Conditions:
Early-infantile DEE. Also called: Ohtahara syndrome; Early infantile epileptic encephalopathy with suppression bursts; Early infantile epileptic encephalopathy. Identifiers: Orphanet 1934, MedGen C0393706, MONDO:0800491.

Allele frequency attached by ClinVar (database versions not stated): TOPMed below 0.00001.

Submission:

Labcorp Genetics (formerly Invitae), Labcorp
Classification: Uncertain significance for Early-infantile DEE. Last evaluated: 2024-05-15. Review status: criteria provided, single submitter. Criteria: Invitae Variant Classification Sherloc (09022015). Collection method: clinical testing. Allele origin: germline.
Comment: This sequence change falls in intron 20 of the SCN1A gene. It does not directly change the encoded amino acid sequence of the SCN1A protein. However, this sequence change falls within a region encompassing a cryptic exon in the SCN1A gene, in which variants have been shown to alter splicing (PMID: 30526861, 34107977). This variant is not present in population databases (gnomAD no frequency). This variant has not been reported in the literature in individuals affected with SCN1A-related conditions. ClinVar contains an entry for this variant (Variation ID: 1955003). Algorithms developed to predict the effect of sequence changes on RNA splicing suggest that this variant is not likely to affect RNA splicing. In summary, the available evidence is currently insufficient to determine the role of this variant in disease. Therefore, it has been classified as a Variant of Uncertain Significance.

Literature cited by the submitters: PubMed 30526861; PubMed 34107977.